The following is an entry in ClinVar:

NM_020911.2(PLXNA4):c.1372-87025C>T

Gene: PLXNA4 (plexin A4; minus strand). Cytogenetic location: 7q32.3.
Variant type: single nucleotide variant.
Coding change: c.1372-87025C>T on transcript NM_020911.2 (MANE Select); 87025 bases into the intron before coding-DNA position 1372, C replaced by T.
Molecular consequence: intron variant. On other transcripts: nonsense (1).
Genome position (GRCh38, 1-based): chr7:132,385,247, G>A on the plus strand (C>T on the coding strand, the complement: PLXNA4 is on the minus strand). VCF-style: chr7-132385247-G-A. GRCh37 (hg19) VCF-style: chr7-132070006-G-A.
Other names: c.1420C>T, p.Arg474Ter (NM_001105543.2); c.1372-87025C>T (NM_001393897.1); short protein forms R474*.
Identifiers: ClinVar variation 2628539 (VCV002628539.1), dbSNP rs541062490, ClinGen allele CA4490193.

ClinVar aggregate classification (germline): Uncertain significance (1 of 4 stars; one submission).

Conditions:
PLXNA4-related disorder. Also called: PLXNA4-related condition.

Allele frequency attached by ClinVar (database versions not stated): gnomAD 0.00001; gnomAD exomes 0.00001; ExAC 0.00005; 1000 Genomes Project 30x 0.00016; 1000 Genomes Project 0.00020.
gnomAD v4.1: 24 of 1,614,000 alleles (0.0015%); highest among the groups gnomAD compares: South Asian, 0.015%; no homozygotes.

Submission:

PreventionGenetics, part of Exact Sciences
Classification: Uncertain significance for PLXNA4-related condition. Last evaluated: 2022-12-19. Review status: criteria provided, single submitter. Criteria: ACMG Guidelines, 2015. Collection method: clinical testing. Allele origin: germline.
Comment: The PLXNA4 c.1420C>T variant is predicted to result in premature protein termination (p.Arg474*). In an alternate transcript (NM_020911.1), this variant is found within an intronic region (c.1372-87025C>T). To our knowledge, this variant has not been reported in the literature. This variant is reported in 0.023% of alleles in individuals of South Asian descent in gnomAD. At this time, the clinical significance of this variant is uncertain due to the absence of conclusive functional and genetic evidence.